The following continues an entry in ClinVar:

NM_000059.4(BRCA2):c.5729A>T (p.Asn1910Ile)

Gene: BRCA2. ClinVar aggregate classification (germline): Conflicting classifications of pathogenicity. Uncertain significance (8); Likely benign (4).

Submissions 9 to 14 of 14:

Color Diagnostics, LLC DBA Color Health
Classification: Uncertain significance for Hereditary cancer-predisposing syndrome. Last evaluated: 2024-05-14. Review status: criteria provided, single submitter. Criteria: ACMG Guidelines, 2015. Collection method: clinical testing. Allele origin: germline.
Comment: This missense variant replaces asparagine with isoleucine at codon 1910 of the BRCA2 protein. This variant is also known as 5957A>T in the literature. Computational prediction suggests that this variant may not impact protein structure and function. To our knowledge, functional studies have not been reported for this variant. This variant has been reported in at least three individuals affected with breast and/or ovarian cancer (PMID: 17262179, 17925560, 19619314, 35264596). A multifactorial analysis has reported likelihood ratios for pathogenicity based on segregation, tumor pathology, co-occurrence with a pathogenic variant and family history of 0.3787, 0.6942, 1.1293, 0.6521, respectively (PMID: 31131967). This variant has been identified in 1/31408 chromosomes in the general population by the Genome Aggregation Database (gnomAD). The available evidence is insufficient to determine the role of this variant in disease conclusively. Therefore, this variant is classified as a Variant of Uncertain Significance.

University of Washington Department of Laboratory Medicine, University of Washington
Classification: Likely benign for Hereditary cancer-predisposing syndrome. Last evaluated: 2023-03-23. Review status: criteria provided, single submitter. Criteria: Dines et al. (Genet Med. 2020). Collection method: curation. Allele origin: germline.
Comment: Missense variant in a coldspot region where missense variants are very unlikely to be pathogenic (PMID:31911673).

BRCA2 exon 11 coldspot. Reclassification based on statistical prior probability.

Mendelics
Classification: Uncertain significance for Breast-ovarian cancer, familial, susceptibility to, 2. Last evaluated: 2019-05-28. Review status: criteria provided, single submitter. Criteria: Mendelics Assertion Criteria 2017. Collection method: clinical testing. Allele origin: unknown.

GeneDx
Classification: Likely benign. Last evaluated: 2015-03-03. Review status: criteria provided, single submitter. Criteria: GeneDx Variant Classification Process June 2021. Collection method: clinical testing. Allele origin: germline. Affected: yes.
Comment: See Variant Classification Assertion Criteria.

Sharing Clinical Reports Project (SCRP)
Classification: Likely benign for Breast-ovarian cancer, familial 2. Last evaluated: 2012-05-01. Review status: no assertion criteria provided. Collection method: clinical testing. Allele origin: germline. Not counted in ClinVar's aggregate classification.

Department of Pathology and Laboratory Medicine, Sinai Health System
Classification: Uncertain significance for Breast-ovarian cancer, familial, susceptibility to, 2. Review status: no assertion criteria provided. Collection method: clinical testing. Allele origin: unknown. Affected: yes. Study: The Canadian Open Genetics Repository (COGR). Not counted in ClinVar's aggregate classification.
Comment: The p.Asn1910Ile variant has been reported in at least 1/536 probands tested for breast and or ovarian carcinoma, and was absent in 103 controls (Beristain 2010, Vogel 2007, Palomba 2009). In addition, these authors suggest the variant has be classified either as a variant of unknown significance or as a benign variant. This variant has not been identified in over 1500 proband chromosomes tested by our laboratory from individuals of different racial backgrounds, suggesting it is a rare variant. However, we cannot rule out that this is a rare benign variant in a population that our laboratory has not tested. The p.Asn1910 residue is not conserved in mammals and computational analyses (SIFT, AlignGVGD) do not suggest a high likelihood of impact to the protein. However, this information is not predictive enough to rule out pathogenicity. In summary, based on the above information, the clinical significance of this variant cannot be determined with certainty at this time, although we would lean towards a more benign role for this variant. However, this variant is classified as a variant of unknown significance.

Literature cited by the submitters: PubMed 17262179 (cited by 4 submitters); PubMed 17925560 (cited by 5 submitters); PubMed 19619314 (cited by 5 submitters); PubMed 24916970 (cited by 3 submitters); PubMed 28651617 (cited by 3 submitters); PubMed 28051113 (cited by Women's Health and Genetics/Laboratory Corporation of America, LabCorp and Ambry Genetics); PubMed 39256447 (cited by Women's Health and Genetics/Laboratory Corporation of America, LabCorp); PubMed 39438962 (cited by Women's Health and Genetics/Laboratory Corporation of America, LabCorp and Quest Diagnostics Nichols Institute San Juan Capistrano); PubMed 31911673 (cited by Quest Diagnostics Nichols Institute San Juan Capistrano); PubMed 31131967 (cited by 4 submitters); PubMed 35264596 (cited by 4 submitters).